The following is an entry in ClinVar:

NM_000381.4(MID1):c.1953C>T (p.Ile651=)

Genes: MID1 (midline 1; minus strand), LOC126863207 (BRD4-independent group 4 enhancer GRCh37_chrX:10416979-10418178; plus strand). Cytogenetic location: Xp22.2.
Variant type: single nucleotide variant.
Coding change: c.1953C>T on transcript NM_000381.4 (MANE Select); coding-DNA position 1953, C replaced by T.
Protein change: p.Ile651=; no amino-acid change (isoleucine 651 retained).
Molecular consequence: synonymous variant.
Genome position (GRCh38, 1-based): chrX:10,449,419, G>A on the plus strand (C>T on the coding strand, the complement: MID1 is on the minus strand). VCF-style: chrX-10449419-G-A. GRCh37 (hg19) VCF-style: chrX-10417459-G-A.
Other names: c.1953C>T (NM_000381.3); c.1953C>T, p.Ile651= (NM_001098624.2, NM_001193277.1, NM_001347733.2 and 1 more transcripts); c.1839C>T, p.Ile613= (NM_033289.2).
Identifiers: ClinVar variation 2893087 (VCV002893087.5), dbSNP rs1449530133, ClinGen allele CA515629072.

ClinVar aggregate classification (germline): Likely benign. Review status: criteria provided, single submitter (1 of 4 stars). 2 submissions from 2 submitters: Likely benign (1). 1 of the submissions does not count toward it. Last evaluated 2025-12-28.

Conditions:
MID1-related disorder. Also called: MID1-related condition.

Allele frequency attached by ClinVar (database versions not stated): gnomAD 0.00001; gnomAD exomes 0.00002.
gnomAD v4.1: 22 of 1,210,133 alleles (0.0018%); highest among the groups gnomAD compares: Non-Finnish European, 0.0025%; no homozygotes.

Submissions (2):

Labcorp Genetics (formerly Invitae), Labcorp
Classification: Likely benign. Last evaluated: 2025-12-28. Review status: criteria provided, single submitter. Criteria: Invitae Variant Classification Sherloc (09022015). Collection method: clinical testing. Allele origin: germline.

PreventionGenetics, part of Exact Sciences
Classification: Likely benign for MID1-related condition. Last evaluated: 2022-01-06. Review status: no assertion criteria provided. Collection method: clinical testing. Allele origin: germline. Not counted in ClinVar's aggregate classification.
Comment: This variant is classified as likely benign based on ACMG/AMP sequence variant interpretation guidelines (Richards et al. 2015 PMID: 25741868, with internal and published modifications).